The following is an entry in ClinVar:

ClinVar aggregate classification (germline): Uncertain significance (1 of 4 stars; one submission).

Conditions:
DiGeorge syndrome. Also called: Catch22; THIRD AND FOURTH PHARYNGEAL POUCH SYNDROME. Identifiers: Orphanet 567, MedGen C0012236, MONDO:0008564, OMIM 188400.

Submission:

Labcorp Genetics (formerly Invitae), Labcorp
Classification: Uncertain significance for DiGeorge syndrome. Last evaluated: 2024-06-11. Review status: criteria provided, single submitter. Criteria: Invitae Variant Classification Sherloc (09022015). Collection method: clinical testing. Allele origin: germline.
Comment: This sequence change replaces aspartic acid, which is acidic and polar, with tyrosine, which is neutral and polar, at codon 424 of the TBX1 protein (p.Asp424Tyr). The frequency data for this variant in the population databases is considered unreliable, as metrics indicate poor data quality at this position in the gnomAD database. This variant has not been reported in the literature in individuals affected with TBX1-related conditions. ClinVar contains an entry for this variant (Variation ID: 1005983). An algorithm developed to predict the effect of missense changes on protein structure and function (PolyPhen-2) suggests that this variant is likely to be disruptive. In summary, the available evidence is currently insufficient to determine the role of this variant in disease. Therefore, it has been classified as a Variant of Uncertain Significance.

NM_001379200.1(TBX1):c.1297G>T (p.Asp433Tyr)

Gene: TBX1 (T-box transcription factor 1; plus strand). Cytogenetic location: 22q11.21.
Variant type: single nucleotide variant.
Coding change: c.1297G>T on transcript NM_001379200.1 (MANE Select); coding-DNA position 1297, G replaced by T.
Protein change: p.Asp433Tyr; replaces aspartic acid 433 with tyrosine.
Molecular consequence: missense variant. On other transcripts: intron variant (2).
Genome position (GRCh38, 1-based): chr22:19,766,649, G>T. VCF-style: chr22-19766649-G-T. GRCh37 (hg19) VCF-style: chr22-19754172-G-T.
Other names: c.1270G>T, p.Asp424Tyr (NM_080647.1); c.1009+647G>T (NM_005992.1, NM_080646.2); short protein forms D424Y, D433Y.
Identifiers: ClinVar variation 1005983 (VCV001005983.8), dbSNP rs758517884, ClinGen allele CA410684883.